The following is an entry in ClinVar:

ClinVar aggregate classification (germline): Uncertain significance. Review status: criteria provided, multiple submitters, no conflicts (2 of 4 stars). 2 submissions from 2 submitters: Uncertain significance (2). Last evaluated 2024-12-31.

Conditions:
Inborn genetic diseases. Identifiers: MedGen C0950123, MeSH D030342.

Submissions (2):

Labcorp Genetics (formerly Invitae), Labcorp
Classification: Uncertain significance. Last evaluated: 2024-12-31. Review status: criteria provided, single submitter. Criteria: Invitae Variant Classification Sherloc (09022015). Collection method: clinical testing. Allele origin: germline.
Comment: This sequence change replaces glutamic acid, which is acidic and polar, with glycine, which is neutral and non-polar, at codon 2426 of the ATR protein (p.Glu2426Gly). This variant is not present in population databases (gnomAD no frequency). This variant has not been reported in the literature in individuals affected with ATR-related conditions. ClinVar contains an entry for this variant (Variation ID: 1758035). An algorithm developed to predict the effect of missense changes on protein structure and function (PolyPhen-2) suggests that this variant is likely to be disruptive. In summary, the available evidence is currently insufficient to determine the role of this variant in disease. Therefore, it has been classified as a Variant of Uncertain Significance.

Ambry Genetics
Classification: Uncertain significance for Inborn genetic diseases. Last evaluated: 2022-05-15. Review status: criteria provided, single submitter. Criteria: Ambry Variant Classification Scheme 2023. Collection method: clinical testing. Allele origin: germline.
Comment: The p.E2426G variant (also known as c.7277A>G), located in coding exon 43 of the ATR gene, results from an A to G substitution at nucleotide position 7277. The glutamic acid at codon 2426 is replaced by glycine, an amino acid with similar properties. This amino acid position is conserved. In addition, the in silico prediction for this alteration is inconclusive. Since supporting evidence is limited at this time, the clinical significance of this alteration remains unclear.

NM_001184.4(ATR):c.7277A>G (p.Glu2426Gly)

Gene: ATR (ATR checkpoint kinase; minus strand). Cytogenetic location: 3q23.
Variant type: single nucleotide variant.
Coding change: c.7277A>G on transcript NM_001184.4 (MANE Select); coding-DNA position 7277, A replaced by G.
Protein change: p.Glu2426Gly; replaces glutamic acid 2426 with glycine.
Molecular consequence: missense variant.
Genome position (GRCh38, 1-based): chr3:142,459,299, T>C on the plus strand (A>G on the coding strand, the complement: ATR is on the minus strand). VCF-style: chr3-142459299-T-C. GRCh37 (hg19) VCF-style: chr3-142178141-T-C.
Other names: c.7085A>G, p.Glu2362Gly (NM_001354579.2); short protein forms E2362G, E2426G.
Identifiers: ClinVar variation 1758035 (VCV001758035.4), dbSNP rs2473039894, ClinGen allele CA354797551.